The following is an entry in ClinVar:

ClinVar aggregate classification (germline): Uncertain significance (1 of 4 stars; one submission).

Conditions:
Anauxetic dysplasia. Identifiers: Orphanet 93347, MedGen C1846796, MONDO:0011773.

Submission:

Labcorp Genetics (formerly Invitae), Labcorp
Classification: Uncertain significance for Anauxetic dysplasia. Last evaluated: 2023-07-24. Review status: criteria provided, single submitter. Criteria: Invitae Variant Classification Sherloc (09022015). Collection method: clinical testing. Allele origin: germline.
Comment: In summary, the available evidence is currently insufficient to determine the role of this variant in disease. Therefore, it has been classified as a Variant of Uncertain Significance. Experimental studies and prediction algorithms are not available or were not evaluated, and the functional significance of this variant is currently unknown. This variant has not been reported in the literature in individuals affected with RMRP-related conditions. This variant is not present in population databases (gnomAD no frequency). This variant occurs in the RMRP gene, which encodes an RNA molecule that does not result in a protein product.

NR_003051.4(RMRP):n.199_203dup

Gene: RMRP (RNA component of mitochondrial RNA processing endoribonuclease; minus strand). Cytogenetic location: 9p13.3.
Variant type: Duplication.
Molecular consequence: non-coding transcript variant (on NR_003051.4).
Genome position: GRCh38 VCF-style: chr9-35657816-G-GGGAGC. GRCh37 (hg19) VCF-style: chr9-35657813-G-GGGAGC.
Identifiers: ClinVar variation 2743379 (VCV002743379.3), dbSNP rs2490600190, ClinGen allele CA2697557714.